The following is an entry in ClinVar:

NM_000553.6(WRN):c.3972C>T (p.Pro1324=)

Gene: WRN (WRN RecQ like helicase; plus strand). Cytogenetic location: 8p12.
Variant type: single nucleotide variant.
Coding change: c.3972C>T on transcript NM_000553.6 (MANE Select); coding-DNA position 3972, C replaced by T.
Protein change: p.Pro1324=; no amino-acid change (proline 1324 retained).
Molecular consequence: synonymous variant.
Genome position (GRCh38, 1-based): chr8:31,157,520, C>T. VCF-style: chr8-31157520-C-T. GRCh37 (hg19) VCF-style: chr8-31015036-C-T.
Identifiers: ClinVar variation 362815 (VCV000362815.23), dbSNP rs370253199, ClinGen allele CA4705216.

ClinVar aggregate classification (germline): Conflicting classifications of pathogenicity. Review status: criteria provided, conflicting classifications (1 of 4 stars). 3 submissions from 3 submitters: Uncertain significance (1); Likely benign (2). Last evaluated 2026-09-01.

Conditions:
Werner syndrome (WRN). Identifiers: Orphanet 902, MedGen C0043119, MONDO:0010196, OMIM 277700.

Allele frequency attached by ClinVar (database versions not stated): TOPMed 0.00007.
gnomAD v4.1: 78 of 1,614,056 alleles (0.0048%); highest among the groups gnomAD compares: East Asian, 0.033%; no homozygotes.

Submissions (3):

CeGaT Center for Human Genetics Tuebingen
Classification: Likely benign. Last evaluated: 2026-09-01. Review status: criteria provided, single submitter. Criteria: CeGaT Center For Human Genetics Tuebingen Variant Classification Criteria Version 2. Collection method: clinical testing. Allele origin: germline. Affected: yes. Observed: 2 variant alleles.
Comment: WRN: BP4, BP7

Labcorp Genetics (formerly Invitae), Labcorp
Classification: Likely benign for Werner syndrome. Last evaluated: 2026-01-25. Review status: criteria provided, single submitter. Criteria: Invitae Variant Classification Sherloc (09022015). Collection method: clinical testing. Allele origin: germline.

Illumina Laboratory Services, Illumina
Classification: Uncertain significance for Werner syndrome. Last evaluated: 2018-01-13. Review status: criteria provided, single submitter. Criteria: ICSL Variant Classification Criteria 13 December 2019. Collection method: clinical testing. Allele origin: germline.